The following is an entry in ClinVar:

NM_017617.5(NOTCH1):c.4436G>A (p.Cys1479Tyr)

Gene: NOTCH1 (notch receptor 1; minus strand). Cytogenetic location: 9q34.3.
Variant type: single nucleotide variant.
Coding change: c.4436G>A on transcript NM_017617.5 (MANE Select); coding-DNA position 4436, G replaced by A.
Protein change: p.Cys1479Tyr; replaces cysteine 1479 with tyrosine.
Molecular consequence: missense variant.
Genome position (GRCh38, 1-based): chr9:136,505,460, C>T on the plus strand (G>A on the coding strand, the complement: NOTCH1 is on the minus strand). VCF-style: chr9-136505460-C-T. GRCh37 (hg19) VCF-style: chr9-139399912-C-T.
Other names: short protein forms C1479Y.
Identifiers: ClinVar variation 4814198 (VCV004814198.1).

ClinVar aggregate classification (germline): Likely pathogenic (1 of 4 stars; one submission).

Conditions:
NOTCH1-related disorder. Also called: NOTCH1-related condition; NOTCH1-related disorders.

Submission:

Rady Children's Institute for Genomic Medicine, Rady Children's Hospital San Diego
Classification: Likely pathogenic for NOTCH1-related disorders. Last evaluated: 2025-01-11. Review status: criteria provided, single submitter. Criteria: ACMG Guidelines, 2015. Collection method: clinical testing. Allele origin: germline. Affected: yes.
Comment: Loss-of-function is the primary mechanism of disease; however, missense variation in the NOTCH1 gene has been previously reported in affected individuals (HGMD, PMID: 25132448, 25963545). The c.4436G>A (p.Cys1479Tyr) variant affects a highly conserved amino acid and is predicted by multiple in silico tools to have a deleterious effect on protein function. This variant has not been previously reported or functionally characterized in the literature to our knowledge. The c.4436G>A (p.Cys1479Tyr) variant is absent from the latest version of the gnomAD population database and thus is presumed to be rare. Based on parental analysis, this variant likely occurred as a de novo event. Based on the available evidence, c.4436G>A (p.Cys1479Tyr) is classified as Likely Pathogenic.

Literature cited by the submitters: PubMed 25132448; PubMed 25963545.